The following is an entry in ClinVar:

NM_000138.5(FBN1):c.5401G>T (p.Asp1801Tyr)

Gene: FBN1 (fibrillin 1; minus strand). Cytogenetic location: 15q21.1.
Variant type: single nucleotide variant.
Coding change: c.5401G>T on transcript NM_000138.5 (MANE Select); coding-DNA position 5401, G replaced by T.
Protein change: p.Asp1801Tyr; replaces aspartic acid 1801 with tyrosine.
Molecular consequence: missense variant.
Genome position (GRCh38, 1-based): chr15:48,456,658, C>A on the plus strand (G>T on the coding strand, the complement: FBN1 is on the minus strand). VCF-style: chr15-48456658-C-A. GRCh37 (hg19) VCF-style: chr15-48748855-C-A.
Other names: c.5401G>T, p.Asp1801Tyr (NM_001406716.1); short protein forms D1801Y.
Identifiers: ClinVar variation 5018217 (VCV005018217.1).

ClinVar aggregate classification (germline): Uncertain significance (1 of 4 stars; one submission).

Submission:

GeneDx
Classification: Uncertain significance. Last evaluated: 2026-04-03. Review status: criteria provided, single submitter. Criteria: GeneDx Variant Classification Process June 2021. Collection method: clinical testing. Allele origin: germline.
Comment: Not observed at significant frequency in large population cohorts (gnomAD); In silico analysis supports that this missense variant has a deleterious effect on protein structure/function; Has not been previously published as pathogenic or benign to our knowledge; Does not affect a cysteine or calcium-binding residue within an EGF-like domain or a TGF-binding protein domain of the FBN1 gene; cysteine substitutions in the EGF-like domains represent the majority of pathogenic missense changes associated with FBN1-related disorders (PMID: 12938084); This variant is associated with the following publications: (PMID: 12938084)